The following is an entry in ClinVar:

NM_001540.5(HSPB1):c.505del (p.Met169fs)

Gene: HSPB1 (heat shock protein family B (small) member 1; plus strand). Cytogenetic location: 7q11.23.
Variant type: Deletion.
Coding change: c.505del on transcript NM_001540.5 (MANE Select); coding-DNA position 505, one base deleted (A; older notation c.505delA).
Protein change: p.Met169fs; shifts the reading frame from methionine 169.
Molecular consequence: frameshift variant.
Genome position (GRCh38, 1-based): chr7:76,304,060, A deleted. VCF-style (leftmost placement, unchanged base first): chr7-76304059-CA-C. GRCh37 (hg19) VCF-style: chr7-75933376-CA-C.
Other names: c.505delA (NM_001540.3); c.505del (NM_001540.3); short protein forms M169fs.
Identifiers: ClinVar variation 637259 (VCV000637259.2), dbSNP rs1583966508, ClinGen allele CA915944944.

ClinVar aggregate classification (germline): Likely pathogenic. Review status: criteria provided, single submitter (1 of 4 stars). 2 submissions from 2 submitters: Likely pathogenic (1). 1 of the submissions does not count toward it. Last evaluated 2024-12-01.

Conditions:
Charcot-Marie-Tooth disease. Also called: Charcot-Marie-Tooth Hereditary Neuropathy; Charcot-Marie-Tooth Neuropathy. Identifiers: Orphanet 166, MedGen C0007959, MONDO:0015626.

Submissions (2):

GeneDx
Classification: Likely pathogenic. Last evaluated: 2024-12-01. Review status: criteria provided, single submitter. Criteria: GeneDx Variant Classification Process June 2021. Collection method: clinical testing. Allele origin: germline. Affected: yes.
Comment: Reported previously in patient with CMT, including weakness of the feet, muscle atrophy in distal muscles, and abnormal EMG (PMID: 26675522); Frameshift variant predicted to result in abnormal protein length as the last 37 amino acids are replaced with 3 different amino acids, and other similar variants have been reported; Not observed at significant frequency in large population cohorts (gnomAD); This variant is associated with the following publications: (PMID: 26675522, 31902012, 25614874)

Inherited Neuropathy Consortium
Classification: Pathogenic for Charcot-Marie-Tooth disease. Review status: no assertion criteria provided. Collection method: literature only. Allele origin: germline. Affected: yes. Not counted in ClinVar's aggregate classification.

Literature cited by the submitters: PubMed 25614874 (cited by Inherited Neuropathy Consortium).